The following is an entry in ClinVar:

ClinVar aggregate classification (germline): Uncertain significance (1 of 4 stars; one submission).

Allele frequency attached by ClinVar (database versions not stated): gnomAD 0.00001.
gnomAD v4.1: 1 of 1,614,226 alleles (0.000062%); highest among the groups gnomAD compares: Middle Eastern, 0.016%; no homozygotes.

Submission:

GeneDx
Classification: Uncertain significance. Last evaluated: 2019-12-10. Review status: criteria provided, single submitter. Criteria: GeneDx Variant Classification Process June 2021. Collection method: clinical testing. Allele origin: germline. Affected: yes.
Comment: Not observed in large population cohorts (Lek et al., 2016); In silico analysis, which includes protein predictors and evolutionary conservation, supports a deleterious effect; Has not been previously published as pathogenic or benign to our knowledge

NM_005670.4(EPM2A):c.847T>A (p.Tyr283Asn)

Gene: EPM2A (EPM2A glucan phosphatase, laforin; minus strand). Cytogenetic location: 6q24.3.
Variant type: single nucleotide variant.
Coding change: c.847T>A on transcript NM_005670.4 (MANE Select); coding-DNA position 847, T replaced by A.
Protein change: p.Tyr283Asn; replaces tyrosine 283 with asparagine.
Molecular consequence: missense variant. On other transcripts: non-coding transcript variant (1).
Genome position (GRCh38, 1-based): chr6:145,627,565, A>T on the plus strand (T>A on the coding strand, the complement: EPM2A is on the minus strand). VCF-style: chr6-145627565-A-T. GRCh37 (hg19) VCF-style: chr6-145948701-A-T.
Other names: c.847T>A, p.Tyr283Asn (NM_001018041.2); c.605T>A, p.Val202Glu (NM_001360057.2); c.433T>A, p.Tyr145Asn (NM_001360064.2, NM_001360071.2, NM_001368131.1); c.385T>A, p.Tyr129Asn (NM_001368129.2, NM_001368132.1); short protein forms V202E, Y129N, Y145N, Y283N.
Identifiers: ClinVar variation 1310889 (VCV001310889.2), dbSNP rs2128556112, ClinGen allele CA366190235.
Genomic context (GRCh38, chr6:145,627,565, plus strand): 5'-CAGCCGGCCTCTTGGCCATGAGGAAATACTGCACCTTCCTCAGATTCCAGCCCATCACAT[A>T]CTGGAGCCAGCCGCAGACAGCCGCGGTGGAGCGGCCCACCCCAGCGTTGCAGTGCACGTA-3'
Protein context (NP_005661.1, residues 273-293): STAAVCGWLQ[Tyr283Asn]VMGWNLRKVQ